The following is an entry in ClinVar:

NM_000179.3(MSH6):c.3420G>A (p.Lys1140=)

Gene: MSH6 (mutS homolog 6; plus strand). Cytogenetic location: 2p16.3.
Variant type: single nucleotide variant.
Coding change: c.3420G>A on transcript NM_000179.3 (MANE Select); coding-DNA position 3420, G replaced by A.
Protein change: p.Lys1140=; no amino-acid change (lysine 1140 retained).
Molecular consequence: synonymous variant.
Genome position (GRCh38, 1-based): chr2:47,803,667, G>A. VCF-style: chr2-47803667-G-A. GRCh37 (hg19) VCF-style: chr2-48030806-G-A.
Other names: c.3030G>A, p.Lys1010= (NM_001281492.2); c.2514G>A, p.Lys838= (NM_001281493.2, NM_001281494.2).
Identifiers: ClinVar variation 479951 (VCV000479951.20), dbSNP rs754435507, ClinGen allele CA070791.

ClinVar aggregate classification (germline): Benign/Likely benign. Review status: criteria provided, multiple submitters, no conflicts (2 of 4 stars). 5 submissions from 5 submitters: Benign (1); Likely benign (4). Last evaluated 2025-01-06.

Conditions:
Mismatch repair cancer syndrome 3. Identifiers: MedGen C5436807, MONDO:0030841, OMIM 619097.
Endometrial carcinoma. Also called: Endometrial carcinoma, somatic. Identifiers: MedGen C0476089, MONDO:0002447, OMIM 608089, HP:0012114.
Lynch syndrome 5 (LYNCH5). Also called: Colorectal cancer, hereditary nonpolyposis, type 5; Hereditary non-polyposis colorectal cancer, type 5. Identifiers: Orphanet 144, MedGen C1833477, MONDO:0013710, OMIM 614350. Disease mechanism: loss of function.
Hereditary cancer-predisposing syndrome. Also called: Hereditary Cancer Syndrome; Neoplastic Syndromes, Hereditary; Tumor predisposition; Hereditary neoplastic syndrome. Identifiers: Orphanet 140162, MedGen C0027672, MeSH D009386, MONDO:0015356.
Hereditary nonpolyposis colorectal neoplasms. Identifiers: MedGen C0009405, MeSH D003123.

Allele frequency attached by ClinVar (database versions not stated): ExAC 0.00002; gnomAD exomes 0.00002 and 0.00004.

Submissions (5):

Myriad Genetics, Inc.
Classification: Benign for Lynch syndrome 5. Last evaluated: 2025-01-06. Review status: criteria provided, single submitter. Criteria: Myriad Autosomal Dominant, Autosomal Recessive and X-Linked Classification Criteria (2023). Collection method: clinical testing. Allele origin: unknown.
Comment: This variant is considered benign. This variant is a silent/synonymous amino acid change and it is not expected to impact splicing.

Labcorp Genetics (formerly Invitae), Labcorp
Classification: Likely benign for Hereditary nonpolyposis colorectal neoplasms. Last evaluated: 2024-07-19. Review status: criteria provided, single submitter. Criteria: Invitae Variant Classification Sherloc (09022015). Collection method: clinical testing. Allele origin: germline.

Department of Pathology and Laboratory Medicine, Sinai Health System
Classification: Likely benign for Endometrial carcinoma; Lynch syndrome 5; Mismatch repair cancer syndrome 3. Last evaluated: 2020-01-31. Review status: criteria provided, single submitter. Criteria: ACMG Guidelines, 2015. Collection method: clinical testing. Allele origin: germline. Affected: no.

Color Diagnostics, LLC DBA Color Health
Classification: Likely benign for Hereditary cancer-predisposing syndrome. Last evaluated: 2019-08-21. Review status: criteria provided, single submitter. Criteria: ACMG Guidelines, 2015. Collection method: clinical testing. Allele origin: germline.

Ambry Genetics
Classification: Likely benign for Hereditary cancer-predisposing syndrome. Last evaluated: 2017-01-19. Review status: criteria provided, single submitter. Criteria: Ambry Variant Classification Scheme 2023. Collection method: clinical testing. Allele origin: germline.